The following is an entry in ClinVar:

NM_001999.4(FBN2):c.500A>C (p.Gln167Pro)

Gene: FBN2 (fibrillin 2; minus strand). Cytogenetic location: 5q23.3.
Variant type: single nucleotide variant.
Coding change: c.500A>C on transcript NM_001999.4 (MANE Select); coding-DNA position 500, A replaced by C.
Protein change: p.Gln167Pro; replaces glutamine 167 with proline.
Molecular consequence: missense variant.
Genome position (GRCh38, 1-based): chr5:128,527,904, T>G on the plus strand (A>C on the coding strand, the complement: FBN2 is on the minus strand). VCF-style: chr5-128527904-T-G. GRCh37 (hg19) VCF-style: chr5-127863597-T-G.
Other names: short protein forms Q167P.
Identifiers: ClinVar variation 4871261 (VCV004871261.1).

ClinVar aggregate classification (germline): Uncertain significance (1 of 4 stars; one submission).

Conditions:
Familial thoracic aortic aneurysm and aortic dissection (TAAD). Also called: Thoracic aortic aneurysms and dissections. Identifiers: Orphanet 91387, MedGen C4707243, MONDO:0019625.

gnomAD v4.1: 2 of 1,612,382 alleles (0.00012%); highest among the groups gnomAD compares: African/African-American, 0.0013%; no homozygotes.

Submission:

Ambry Genetics
Classification: Uncertain significance for Familial thoracic aortic aneurysm and aortic dissection. Last evaluated: 2026-05-17. Review status: criteria provided, single submitter. Criteria: Ambry Variant Classification Scheme 2023. Collection method: clinical testing. Allele origin: germline.
Comment: The p.Q167P variant (also known as c.500A>C), located in coding exon 4 of the FBN2 gene, results from an A to C substitution at nucleotide position 500. The glutamine at codon 167 is replaced by proline, an amino acid with similar properties. This amino acid position is conserved. In addition, this alteration is predicted to be tolerated by in silico analysis. Based on the available evidence, the clinical significance of this variant remains unclear.